The following is an entry in ClinVar:

NM_021971.4(GMPPB):c.521G>C (p.Gly174Ala)

Gene: GMPPB (GDP-mannose pyrophosphorylase B; minus strand). Cytogenetic location: 3p21.31.
Variant type: single nucleotide variant.
Coding change: c.521G>C on transcript NM_021971.4 (MANE Select); coding-DNA position 521, G replaced by C.
Protein change: p.Gly174Ala; replaces glycine 174 with alanine.
Molecular consequence: missense variant.
Genome position (GRCh38, 1-based): chr3:49,722,636, C>G on the plus strand (G>C on the coding strand, the complement: GMPPB is on the minus strand). VCF-style: chr3-49722636-C-G. GRCh37 (hg19) VCF-style: chr3-49760069-C-G.
Other names: c.521G>C, p.Gly174Ala (NM_013334.4); short protein forms G174A.
Identifiers: ClinVar variation 4789886 (VCV004789886.1).

ClinVar aggregate classification (germline): Uncertain significance (1 of 4 stars; one submission).

Conditions:
Muscular dystrophy-dystroglycanopathy (congenital with impaired intellectual development), type B, 14. Also called: MUSCULAR DYSTROPHY, CONGENITAL, GMPPB-RELATED; Congenital muscular dystrophy-dystroglycanopathy with mental retardation, type B14; Muscular dystrophy-dystroglycanopathy (congenital with intellectual disability), type B14. Identifiers: MedGen C3809221, MONDO:0014141, OMIM 615351.
Muscular dystrophy-dystroglycanopathy (congenital with brain and eye anomalies), type A14. Also called: WALKER-WARBURG SYNDROME OR MUSCLE-EYE-BRAIN DISEASE, GMPPB-RELATED; Muscular dystrophy-dystroglycanopathy (congenital with brain and eye anomalies), type a, 14; Congenital Muscular Dystrophy-Dystroglycanopathy with Brain and Eye Anomalies Type A 14; Congenital muscular dystrophy-dystroglycanopathy with brain and eye anomalies, type A14. Identifiers: Orphanet 588, MedGen C3809216, MONDO:0014140, OMIM 615350.
Autosomal recessive limb-girdle muscular dystrophy type 2T. Also called: MUSCULAR DYSTROPHY-DYSTROGLYCANOPATHY, LIMB-GIRDLE, GMPPB-RELATED; MUSCULAR DYSTROPHY, LIMB-GIRDLE, TYPE 2T; Muscular dystrophy-dystroglycanopathy (limb-girdle), type c, 14; Limb-girdle muscular dystrophy-dystroglycanopathy, type C14. Identifiers: Orphanet 363623, MedGen C4518000, MONDO:0014142, OMIM 615352.

Submission:

Labcorp Genetics (formerly Invitae), Labcorp
Classification: Uncertain significance for Autosomal recessive limb-girdle muscular dystrophy type 2T; Muscular dystrophy-dystroglycanopathy (congenital with brain and eye anomalies), type A14; Muscular dystrophy-dystroglycanopathy (congenital with impaired intellectual development), type B, 14. Last evaluated: 2025-07-30. Review status: criteria provided, single submitter. Criteria: Invitae Variant Classification Sherloc (09022015). Collection method: clinical testing. Allele origin: germline.
Comment: This sequence change replaces glycine, which is neutral and non-polar, with alanine, which is neutral and non-polar, at codon 174 of the GMPPB protein (p.Gly174Ala). This variant is not present in population databases (gnomAD no frequency). This variant has not been reported in the literature in individuals affected with GMPPB-related conditions. Invitae Evidence Modeling of protein sequence and biophysical properties (such as structural, functional, and spatial information, amino acid conservation, physicochemical variation, residue mobility, and thermodynamic stability) indicates that this missense variant is expected to disrupt GMPPB protein function with a positive predictive value of 80%. In summary, the available evidence is currently insufficient to determine the role of this variant in disease. Therefore, it has been classified as a Variant of Uncertain Significance.